The following is an entry in ClinVar:

NM_001127644.2(GABRA1):c.191G>C (p.Arg64Pro)

Gene: GABRA1 (gamma-aminobutyric acid type A receptor subunit alpha1; plus strand). Cytogenetic location: 5q34.
Variant type: single nucleotide variant.
Coding change: c.191G>C on transcript NM_001127644.2 (MANE Select); coding-DNA position 191, G replaced by C.
Protein change: p.Arg64Pro; replaces arginine 64 with proline.
Molecular consequence: missense variant.
Genome position (GRCh38, 1-based): chr5:161,865,724, G>C. VCF-style: chr5-161865724-G-C. GRCh37 (hg19) VCF-style: chr5-161292730-G-C.
Other names: c.191G>C, p.Arg64Pro (NM_000806.5, NM_001127643.2, NM_001127645.2 and 1 more transcripts); short protein forms R64P.
Identifiers: ClinVar variation 4075523 (VCV004075523.1).

ClinVar aggregate classification (germline): Uncertain significance (1 of 4 stars; one submission).

Submission:

GeneDx
Classification: Uncertain significance. Last evaluated: 2025-02-12. Review status: criteria provided, single submitter. Criteria: GeneDx Variant Classification Process June 2021. Collection method: clinical testing. Allele origin: germline. Affected: yes.
Comment: Not observed at significant frequency in large population cohorts (gnomAD); In silico analysis indicates that this missense variant does not alter protein structure/function; Has not been previously published as pathogenic or benign to our knowledge